The following is an entry in ClinVar:

ClinVar aggregate classification (germline): Uncertain significance (1 of 4 stars; one submission).

Conditions:
JAK2-related disorder. Also called: JAK2-related condition.

Allele frequency attached by ClinVar (database versions not stated): gnomAD 0.00003; TOPMed 0.00004; ESP Exome Variant Server 0.00008.
gnomAD v4.1: 30 of 1,594,312 alleles (0.0019%); highest among the groups gnomAD compares: African/African-American, 0.0027%; no homozygotes.

Submission:

PreventionGenetics, part of Exact Sciences
Classification: Uncertain significance for JAK2-related condition. Last evaluated: 2022-12-16. Review status: criteria provided, single submitter. Criteria: ACMG Guidelines, 2015. Collection method: clinical testing. Allele origin: germline.
Comment: The JAK2 c.1096G>A variant is predicted to result in the amino acid substitution p.Val366Met. To our knowledge, this variant has not been reported in the literature. This variant is reported in 0.0083% of alleles in individuals of African descent in gnomAD. At this time, the clinical significance of this variant is uncertain due to the absence of conclusive functional and genetic evidence.

NM_004972.4(JAK2):c.1096G>A (p.Val366Met)

Genes: INSL6 (insulin like 6; minus strand), JAK2 (Janus kinase 2; plus strand). Cytogenetic location: 9p24.1.
Variant type: single nucleotide variant.
Coding change: c.1096G>A on transcript NM_004972.4 (MANE Select); coding-DNA position 1096, G replaced by A.
Protein change: p.Val366Met; replaces valine 366 with methionine.
Molecular consequence: missense variant. On other transcripts: 5 prime UTR variant (2), non-coding transcript variant (2).
Genome position (GRCh38, 1-based): chr9:5,064,922, G>A. VCF-style: chr9-5064922-G-A. GRCh37 (hg19) VCF-style: chr9-5064922-G-A.
Other names: c.1096G>A, p.Val366Met (NM_001322194.2, NM_001322195.2, NM_001322196.2); c.-120G>A (NM_001322198.2, NM_001322199.2); c.649G>A, p.Val217Met (NM_001322204.2); short protein forms V217M, V366M.
Identifiers: ClinVar variation 2634895 (VCV002634895.1), dbSNP rs375678155, ClinGen allele CA4971748.